The following is an entry in ClinVar:

ClinVar aggregate classification (germline): Uncertain significance. Review status: criteria provided, multiple submitters, no conflicts (2 of 4 stars). 5 submissions from 5 submitters: Uncertain significance (5). Last evaluated 2025-06-25.

Conditions:
Inborn genetic diseases. Identifiers: MedGen C0950123, MeSH D030342.
Vitamin D-dependent rickets type II with alopecia (VDDR2A). Also called: GENERALIZED RESISTANCE TO 1,25-DIHYDROXYVITAMIN D; HYPOCALCEMIC VITAMIN D-RESISTANT RICKETS; PDDR IIA; PSEUDOVITAMIN D-DEFICIENCY, TYPE IIA; RICKETS, HEREDITARY VITAMIN D-RESISTANT; RICKETS-ALOPECIA SYNDROME. Identifiers: Orphanet 93160, MedGen C0342646, MONDO:0010186, OMIM 277440.

Allele frequency attached by ClinVar (database versions not stated): ExAC 0.00001; ESP Exome Variant Server 0.00008.
gnomAD v4.1: 15 of 1,613,966 alleles (0.00093%); highest among the groups gnomAD compares: Middle Eastern, 0.016%; no homozygotes.

Submissions (5):

Ambry Genetics
Classification: Uncertain significance for Inborn genetic diseases. Last evaluated: 2025-06-25. Review status: criteria provided, single submitter. Criteria: Ambry Variant Classification Scheme 2023. Collection method: clinical testing. Allele origin: germline.

Fulgent Genetics
Classification: Uncertain significance for Vitamin D-dependent rickets type II with alopecia. Last evaluated: 2024-05-01. Review status: criteria provided, single submitter. Criteria: ACMG Guidelines, 2015. Collection method: clinical testing. Allele origin: germline.

Labcorp Genetics (formerly Invitae), Labcorp
Classification: Uncertain significance. Last evaluated: 2022-05-30. Review status: criteria provided, single submitter. Criteria: Invitae Variant Classification Sherloc (09022015). Collection method: clinical testing. Allele origin: germline.
Comment: This sequence change replaces arginine, which is basic and polar, with leucine, which is neutral and non-polar, at codon 368 of the VDR protein (p.Arg368Leu). This variant is present in population databases (rs376903517, gnomAD 0.003%). This variant has not been reported in the literature in individuals affected with VDR-related conditions. ClinVar contains an entry for this variant (Variation ID: 1342526). Algorithms developed to predict the effect of missense changes on protein structure and function (SIFT, PolyPhen-2, Align-GVGD) all suggest that this variant is likely to be tolerated. In summary, the available evidence is currently insufficient to determine the role of this variant in disease. Therefore, it has been classified as a Variant of Uncertain Significance.

New York Genome Center
Classification: Uncertain significance for Vitamin D-dependent rickets type II with alopecia. Last evaluated: 2021-06-11. Review status: criteria provided, single submitter. Criteria: NYGC Assertion Criteria 2020. Collection method: clinical testing. Allele origin: inherited. Observed: 1 heterozygote. Study: CSER-NYCKidSeq.

Department of Pathology and Laboratory Medicine, Sinai Health System
Classification: Uncertain significance for Vitamin D-dependent rickets type II with alopecia. Last evaluated: 2020-06-01. Review status: criteria provided, single submitter. Criteria: ACMG Guidelines, 2015. Collection method: research. Allele origin: germline.

NM_000376.3(VDR):c.1103G>T (p.Arg368Leu)

Gene: VDR (vitamin D receptor; minus strand). Cytogenetic location: 12q13.11.
Variant type: single nucleotide variant.
Coding change: c.1103G>T on transcript NM_000376.3 (MANE Select); coding-DNA position 1103, G replaced by T.
Protein change: p.Arg368Leu; replaces arginine 368 with leucine.
Molecular consequence: missense variant.
Genome position (GRCh38, 1-based): chr12:47,844,927, C>A on the plus strand (G>T on the coding strand, the complement: VDR is on the minus strand). VCF-style: chr12-47844927-C-A. GRCh37 (hg19) VCF-style: chr12-48238710-C-A.
Other names: c.1103G>T, p.Arg368Leu (NM_001017535.2, NM_001364085.2, NM_001374661.1 and 1 more transcripts); c.1253G>T, p.Arg418Leu (NM_001017536.2); short protein forms R368L, R418L.
Identifiers: ClinVar variation 1342526 (VCV001342526.6), dbSNP rs376903517, ClinGen allele CA6533750.